The following is an entry in ClinVar:

ClinVar aggregate classification (germline): Uncertain significance. Review status: criteria provided, multiple submitters, no conflicts (2 of 4 stars). 3 submissions from 3 submitters: Uncertain significance (3). Last evaluated 2023-08-04.

Conditions:
Hereditary nonpolyposis colorectal neoplasms. Identifiers: MedGen C0009405, MeSH D003123.
Hereditary cancer-predisposing syndrome. Also called: Tumor predisposition; Hereditary neoplastic syndrome; Neoplastic Syndromes, Hereditary; Hereditary Cancer Syndrome. Identifiers: Orphanet 140162, MedGen C0027672, MeSH D009386, MONDO:0015356.

gnomAD v4.1: 1 of 1,613,884 alleles (0.000062%); highest among the groups gnomAD compares: Non-Finnish European, 0.000085%; no homozygotes.

Submissions (3):

GeneDx
Classification: Uncertain significance. Last evaluated: 2023-08-04. Review status: criteria provided, single submitter. Criteria: GeneDx Variant Classification Process June 2021. Collection method: clinical testing. Allele origin: germline. Affected: yes.
Comment: Not observed at significant frequency in large population cohorts (gnomAD); In silico analysis supports that this missense variant has a deleterious effect on protein structure/function; Has not been previously published as pathogenic or benign to our knowledge

Labcorp Genetics (formerly Invitae), Labcorp
Classification: Uncertain significance for Hereditary nonpolyposis colorectal neoplasms. Last evaluated: 2021-04-19. Review status: criteria provided, single submitter. Criteria: Invitae Variant Classification Sherloc (09022015). Collection method: clinical testing. Allele origin: germline.
Comment: This sequence change replaces proline with leucine at codon 404 of the PMS2 protein (p.Pro404Leu). The proline residue is weakly conserved and there is a moderate physicochemical difference between proline and leucine. In summary, the available evidence is currently insufficient to determine the role of this variant in disease. Therefore, it has been classified as a Variant of Uncertain Significance. Advanced modeling of protein sequence and biophysical properties (such as structural, functional, and spatial information, amino acid conservation, physicochemical variation, residue mobility, and thermodynamic stability) performed at Invitae indicates that this missense variant is not expected to disrupt PMS2 protein function. This variant has not been reported in the literature in individuals with PMS2-related conditions. ClinVar contains an entry for this variant (Variation ID: 818600). This variant is not present in population databases (ExAC no frequency).

Ambry Genetics
Classification: Uncertain significance for Hereditary cancer-predisposing syndrome. Last evaluated: 2019-08-29. Review status: criteria provided, single submitter. Criteria: Ambry Variant Classification Scheme 2023. Collection method: clinical testing. Allele origin: germline.
Comment: The p.P404L variant (also known as c.1211C>T), located in coding exon 11 of the PMS2 gene, results from a C to T substitution at nucleotide position 1211. The proline at codon 404 is replaced by leucine, an amino acid with similar properties. This amino acid position is not well conserved in available vertebrate species. In addition, this alteration is predicted to be tolerated by in silico analysis. Since supporting evidence is limited at this time, the clinical significance of this alteration remains unclear.

NM_000535.7(PMS2):c.1211C>T (p.Pro404Leu)

Gene: PMS2 (PMS1 homolog 2, mismatch repair system component; minus strand). Cytogenetic location: 7p22.1.
Variant type: single nucleotide variant.
Coding change: c.1211C>T on transcript NM_000535.7 (MANE Select); coding-DNA position 1211, C replaced by T.
Protein change: p.Pro404Leu; replaces proline 404 with leucine.
Molecular consequence: missense variant. On other transcripts: non-coding transcript variant (1).
Genome position (GRCh38, 1-based): chr7:5,987,554, G>A on the plus strand (C>T on the coding strand, the complement: PMS2 is on the minus strand). VCF-style: chr7-5987554-G-A. GRCh37 (hg19) VCF-style: chr7-6027185-G-A.
Other names: c.806C>T, p.Pro269Leu (NM_001322003.2, NM_001322004.2, NM_001322005.2 and 1 more transcripts); c.1055C>T, p.Pro352Leu (NM_001322006.2); c.893C>T, p.Pro298Leu (NM_001322007.2, NM_001322008.2); c.650C>T, p.Pro217Leu (NM_001322010.2); c.278C>T, p.Pro93Leu (NM_001322011.2, NM_001322012.2); c.638C>T, p.Pro213Leu (NM_001322013.2); c.1211C>T, p.Pro404Leu (NM_001322014.2); c.902C>T, p.Pro301Leu (NM_001322015.2); short protein forms P213L, P301L, P93L, P217L, P298L, P269L, P404L, P352L.
Identifiers: ClinVar variation 818600 (VCV000818600.13), dbSNP rs536111818, ClinGen allele CA366742557.